The following is an entry in ClinVar:

ClinVar aggregate classification (germline): Uncertain significance (1 of 4 stars; one submission).

Conditions:
Hereditary nonpolyposis colorectal neoplasms. Identifiers: MedGen C0009405, MeSH D003123.

Submission:

Labcorp Genetics (formerly Invitae), Labcorp
Classification: Uncertain significance for Hereditary nonpolyposis colorectal neoplasms. Last evaluated: 2018-10-10. Review status: criteria provided, single submitter. Criteria: Invitae Variant Classification Sherloc (09022015). Collection method: clinical testing. Allele origin: germline.
Comment: This sequence change replaces glutamic acid with lysine at codon 411 of the PMS2 protein (p.Glu411Lys). The glutamic acid residue is weakly conserved and there is a small physicochemical difference between glutamic acid and lysine. This variant is not present in population databases (ExAC no frequency). This variant has not been reported in the literature in individuals with PMS2-related disease. Algorithms developed to predict the effect of missense changes on protein structure and function (SIFT, PolyPhen-2, Align-GVGD) all suggest that this variant is likely to be tolerated, but these predictions have not been confirmed by published functional studies and their clinical significance is uncertain. In summary, the available evidence is currently insufficient to determine the role of this variant in disease. Therefore, it has been classified as a Variant of Uncertain Significance.

NM_000535.7(PMS2):c.1231G>A (p.Glu411Lys)

Gene: PMS2 (PMS1 homolog 2, mismatch repair system component; minus strand). Cytogenetic location: 7p22.1.
Variant type: single nucleotide variant.
Coding change: c.1231G>A on transcript NM_000535.7 (MANE Select); coding-DNA position 1231, G replaced by A.
Protein change: p.Glu411Lys; replaces glutamic acid 411 with lysine.
Molecular consequence: missense variant. On other transcripts: non-coding transcript variant (1).
Genome position (GRCh38, 1-based): chr7:5,987,534, C>T on the plus strand (G>A on the coding strand, the complement: PMS2 is on the minus strand). VCF-style: chr7-5987534-C-T. GRCh37 (hg19) VCF-style: chr7-6027165-C-T.
Other names: c.826G>A, p.Glu276Lys (NM_001322003.2, NM_001322004.2, NM_001322005.2 and 1 more transcripts); c.1075G>A, p.Glu359Lys (NM_001322006.2); c.913G>A, p.Glu305Lys (NM_001322007.2, NM_001322008.2); c.670G>A, p.Glu224Lys (NM_001322010.2); c.298G>A, p.Glu100Lys (NM_001322011.2, NM_001322012.2); c.658G>A, p.Glu220Lys (NM_001322013.2); c.1231G>A, p.Glu411Lys (NM_001322014.2); c.922G>A, p.Glu308Lys (NM_001322015.2); short protein forms E224K, E305K, E220K, E359K, E100K, E276K, E308K, E411K.
Identifiers: ClinVar variation 656116 (VCV000656116.8), dbSNP rs1159969834, ClinGen allele CA366742519.